The following is an entry in ClinVar:

ClinVar aggregate classification (germline): Uncertain significance (1 of 4 stars; one submission).

Conditions:
Adams-Oliver syndrome 5 (AOS5). Identifiers: Orphanet 974, MedGen C4014970, MONDO:0014459, OMIM 616028.

gnomAD v4.1: 1 of 1,612,760 alleles (0.000062%); highest among the groups gnomAD compares: Non-Finnish European, 0.000085%; no homozygotes.

Submission:

Labcorp Genetics (formerly Invitae), Labcorp
Classification: Uncertain significance for Adams-Oliver syndrome 5. Last evaluated: 2025-04-30. Review status: criteria provided, single submitter. Criteria: Invitae Variant Classification Sherloc (09022015). Collection method: clinical testing. Allele origin: germline.
Comment: This sequence change replaces leucine, which is neutral and non-polar, with valine, which is neutral and non-polar, at codon 1853 of the NOTCH1 protein (p.Leu1853Val). This variant is not present in population databases (gnomAD no frequency). This variant has not been reported in the literature in individuals affected with NOTCH1-related conditions. Invitae Evidence Modeling of protein sequence and biophysical properties (such as structural, functional, and spatial information, amino acid conservation, physicochemical variation, residue mobility, and thermodynamic stability) indicates that this missense variant is not expected to disrupt NOTCH1 protein function with a negative predictive value of 80%. In summary, the available evidence is currently insufficient to determine the role of this variant in disease. Therefore, it has been classified as a Variant of Uncertain Significance.

NM_017617.5(NOTCH1):c.5557C>G (p.Leu1853Val)

Gene: NOTCH1 (notch receptor 1; minus strand). Cytogenetic location: 9q34.3.
Variant type: single nucleotide variant.
Coding change: c.5557C>G on transcript NM_017617.5 (MANE Select); coding-DNA position 5557, C replaced by G.
Protein change: p.Leu1853Val; replaces leucine 1853 with valine.
Molecular consequence: missense variant.
Genome position (GRCh38, 1-based): chr9:136,501,829, G>C on the plus strand (C>G on the coding strand, the complement: NOTCH1 is on the minus strand). VCF-style: chr9-136501829-G-C. GRCh37 (hg19) VCF-style: chr9-139396281-G-C.
Other names: short protein forms L1853V.
Identifiers: ClinVar variation 4798588 (VCV004798588.1).